The following is an entry in ClinVar:

NM_152424.4(AMER1):c.520A>G (p.Ser174Gly)

Gene: AMER1 (APC membrane recruitment protein 1; minus strand). Cytogenetic location: Xq11.2.
Variant type: single nucleotide variant.
Coding change: c.520A>G on transcript NM_152424.4 (MANE Select); coding-DNA position 520, A replaced by G.
Protein change: p.Ser174Gly; replaces serine 174 with glycine.
Molecular consequence: missense variant.
Genome position (GRCh38, 1-based): chrX:64,192,767, T>C on the plus strand (A>G on the coding strand, the complement: AMER1 is on the minus strand). VCF-style: chrX-64192767-T-C. GRCh37 (hg19) VCF-style: chrX-63412647-T-C.
Other names: short protein forms S174G.
Identifiers: ClinVar variation 3657860 (VCV003657860.2).
Genomic context (GRCh38, chrX:64,192,767, plus strand): 5'-CCCCTGGCTCACTTTGCTCAGCCCCAGTGACCTTGCTCTTCCGGTGACGGCGGATACTGC[T>C]AAAAAAGCCTTTTAGGCCTTTCTTTGGCTTGGGCATAGAGGGAAACTTCTCAGCCACAGC-3'
Protein context (NP_689637.3, residues 164-184): KPKKGLKGFF[Ser174Gly]SIRRHRKSKV

ClinVar aggregate classification (germline): Uncertain significance (1 of 4 stars; one submission).

Submission:

Labcorp Genetics (formerly Invitae), Labcorp
Classification: Uncertain significance. Last evaluated: 2024-06-26. Review status: criteria provided, single submitter. Criteria: Invitae Variant Classification Sherloc (09022015). Collection method: clinical testing. Allele origin: germline.
Comment: This sequence change replaces serine, which is neutral and polar, with glycine, which is neutral and non-polar, at codon 174 of the AMER1 protein (p.Ser174Gly). This variant is not present in population databases (gnomAD no frequency). This variant has not been reported in the literature in individuals affected with AMER1-related conditions. An algorithm developed to predict the effect of missense changes on protein structure and function (PolyPhen-2) suggests that this variant is likely to be disruptive. In summary, the available evidence is currently insufficient to determine the role of this variant in disease. Therefore, it has been classified as a Variant of Uncertain Significance.